The following is an entry in ClinVar:

NM_001172509.2(SATB2):c.1195C>T (p.Arg399Cys)

Gene: SATB2 (SATB homeobox 2; minus strand). Cytogenetic location: 2q33.1.
Variant type: single nucleotide variant.
Coding change: c.1195C>T on transcript NM_001172509.2 (MANE Select); coding-DNA position 1195, C replaced by T.
Protein change: p.Arg399Cys; replaces arginine 399 with cysteine.
Molecular consequence: missense variant.
Genome position (GRCh38, 1-based): chr2:199,328,889, G>A on the plus strand (C>T on the coding strand, the complement: SATB2 is on the minus strand). VCF-style: chr2-199328889-G-A. GRCh37 (hg19) VCF-style: chr2-200193612-G-A.
Other names: c.1195C>T, p.Arg399Cys (NM_001172517.1, NM_015265.4); short protein forms R399C.
Identifiers: ClinVar variation 662501 (VCV000662501.18), dbSNP rs1574511051, ClinGen allele CA350386546.

ClinVar aggregate classification (germline): Pathogenic/Likely pathogenic. Review status: criteria provided, multiple submitters, no conflicts (2 of 4 stars). 5 submissions from 5 submitters: Pathogenic (3); Likely pathogenic (2). Last evaluated 2025-08-06.

Conditions:
Chromosome 2q32-q33 deletion syndrome (GLASS). Also called: Glass syndrome; 2q33.1 deletion syndrome. Identifiers: Orphanet 251019, MedGen C2676739, MONDO:0012864, OMIM 612313.
SATB2 associated disorder. Identifiers: Orphanet 576278, MedGen CN294806, MONDO:0100147.
Intellectual disability. Also called: intellectual disabilities; Intellectual developmental disorder; Intellectual functioning disability. Identifiers: MedGen C3714756, MeSH D008607, MONDO:0001071, HP:0001249.

Submissions (5):

Clinical Genetics Laboratory, Skane University Hospital Lund
Classification: Likely pathogenic for SATB2 associated disorder. Last evaluated: 2025-08-06. Review status: criteria provided, single submitter. Criteria: ACMG Guidelines, 2015. Collection method: clinical testing. Allele origin: germline. Inheritance: Autosomal dominant inheritance. Affected: yes.
Comment: ACMG criteria used: PS2_Supporting, PS4, PM1, PM2.

GeneDx
Classification: Pathogenic. Last evaluated: 2024-11-14. Review status: criteria provided, single submitter. Criteria: GeneDx Variant Classification Process June 2021. Collection method: clinical testing. Allele origin: germline. Affected: yes.
Comment: Not observed at significant frequency in large population cohorts (gnomAD); In silico analysis supports that this missense variant has a deleterious effect on protein structure/function; This variant is associated with the following publications: (PMID: 37786328, 35982159, 33057194, Qing2020[pub], 26582918, 33661512)

MVZ Medizinische Genetik Mainz
Classification: Pathogenic for Chromosome 2q32-q33 deletion syndrome. Last evaluated: 2023-11-28. Review status: criteria provided, single submitter. Criteria: UK Practice Guidelines For Variant Classification V4 01 2020. Collection method: clinical testing. Allele origin: germline. Inheritance: Autosomal dominant inheritance. Affected: yes. Observed: 1 variant allele.
Comment: ACMG Criteria: PM1,PM5,PS4_SUP,PM2_SUP,PM6_SUP,PP2

Labcorp Genetics (formerly Invitae), Labcorp
Classification: Likely pathogenic for Chromosome 2q32-q33 deletion syndrome. Last evaluated: 2022-11-29. Review status: criteria provided, single submitter. Criteria: Invitae Variant Classification Sherloc (09022015). Collection method: clinical testing. Allele origin: germline.
Comment: Advanced modeling performed at Invitae incorporating data from internal and/or published experimental studies (Invitae) indicates that this missense variant is expected to disrupt SATB2 function. In summary, the currently available evidence indicates that the variant is pathogenic, but additional data are needed to prove that conclusively. Therefore, this variant has been classified as Likely Pathogenic. This variant disrupts the p.Arg399 amino acid residue in SATB2. Other variant(s) that disrupt this residue have been determined to be pathogenic (PMID: 28151491). This suggests that this residue is clinically significant, and that variants that disrupt this residue are likely to be disease-causing. ClinVar contains an entry for this variant (Variation ID: 662501). This variant has not been reported in the literature in individuals affected with SATB2-related conditions. This variant is not present in population databases (gnomAD no frequency). This sequence change replaces arginine, which is basic and polar, with cysteine, which is neutral and slightly polar, at codon 399 of the SATB2 protein (p.Arg399Cys).

Diagnostic Laboratory, Strasbourg University Hospital
Classification: Pathogenic for Intellectual disability. Last evaluated: 2020-04-20. Review status: criteria provided, single submitter. Criteria: ACMG Guidelines, 2015. Collection method: clinical testing. Allele origin: de novo. Inheritance: Autosomal dominant inheritance. Affected: yes. Observed: 1 heterozygote.

Literature cited by the submitters: PubMed 28151491 (cited by Labcorp Genetics (formerly Invitae), Labcorp).